The following is an entry in ClinVar:

NM_152383.5(DIS3L2):c.1027G>C (p.Asp343His)

Gene: DIS3L2 (DIS3 like 3'-5' exoribonuclease 2; plus strand). Cytogenetic location: 2q37.1.
Variant type: single nucleotide variant.
Coding change: c.1027G>C on transcript NM_152383.5 (MANE Select); coding-DNA position 1027, G replaced by C.
Protein change: p.Asp343His; replaces aspartic acid 343 with histidine.
Molecular consequence: missense variant. On other transcripts: non-coding transcript variant (2).
Genome position (GRCh38, 1-based): chr2:232,163,535, G>C. VCF-style: chr2-232163535-G-C. GRCh37 (hg19) VCF-style: chr2-233028245-G-C.
Other names: c.1027G>C, p.Asp343His (NM_001257281.2); short protein forms D343H.
Identifiers: ClinVar variation 2418260 (VCV002418260.6), dbSNP rs769828131, ClinGen allele CA351154318.

ClinVar aggregate classification (germline): Uncertain significance (1 of 4 stars; one submission).

Conditions:
Perlman syndrome (PRLMNS). Identifiers: Orphanet 2849, MedGen C0796113, MONDO:0009965, OMIM 267000.

Submission:

Labcorp Genetics (formerly Invitae), Labcorp
Classification: Uncertain significance for Perlman syndrome. Last evaluated: 2025-06-06. Review status: criteria provided, single submitter. Criteria: Invitae Variant Classification Sherloc (09022015). Collection method: clinical testing. Allele origin: germline.
Comment: This sequence change replaces aspartic acid, which is acidic and polar, with histidine, which is basic and polar, at codon 343 of the DIS3L2 protein (p.Asp343His). This variant is not present in population databases (gnomAD no frequency). This variant has not been reported in the literature in individuals affected with DIS3L2-related conditions. ClinVar contains an entry for this variant (Variation ID: 2418260). Invitae Evidence Modeling of protein sequence and biophysical properties (such as structural, functional, and spatial information, amino acid conservation, physicochemical variation, residue mobility, and thermodynamic stability) indicates that this missense variant is expected to disrupt DIS3L2 protein function with a positive predictive value of 80%. In summary, the available evidence is currently insufficient to determine the role of this variant in disease. Therefore, it has been classified as a Variant of Uncertain Significance.